The following is an entry in ClinVar:

NM_177438.3(DICER1):c.2400A>C (p.Arg800Ser)

Gene: DICER1 (dicer 1, ribonuclease III; minus strand). Cytogenetic location: 14q32.13.
Variant type: single nucleotide variant.
Coding change: c.2400A>C on transcript NM_177438.3 (MANE Select); coding-DNA position 2400, A replaced by C.
Protein change: p.Arg800Ser; replaces arginine 800 with serine.
Molecular consequence: missense variant. On other transcripts: non-coding transcript variant (6).
Genome position (GRCh38, 1-based): chr14:95,108,360, T>G on the plus strand (A>C on the coding strand, the complement: DICER1 is on the minus strand). VCF-style: chr14-95108360-T-G. GRCh37 (hg19) VCF-style: chr14-95574697-T-G.
Other names: c.2400A>C, p.Arg800Ser (NM_001395693.1, NM_001395694.1, NM_001395695.1 and 12 more transcripts); c.1995A>C, p.Arg665Ser (NM_001395696.1, NM_001395687.1, NM_001395688.1 and 2 more transcripts); c.717A>C, p.Arg239Ser (NM_001395697.1); c.2118A>C, p.Arg706Ser (NM_001395686.1); c.1833A>C, p.Arg611Ser (NM_001395691.1); short protein forms R239S, R665S, R706S, R611S, R800S.
Identifiers: ClinVar variation 4746824 (VCV004746824.1).

ClinVar aggregate classification (germline): Uncertain significance (1 of 4 stars; one submission).

Conditions:
DICER1-related tumor predisposition. Also called: DICER1-related pleuropulmonary blastoma cancer predisposition syndrome; DICER1 syndrome. Identifiers: Orphanet 284343, MedGen C3839822, MONDO:0100216.

Submission:

Labcorp Genetics (formerly Invitae), Labcorp
Classification: Uncertain significance for DICER1-related tumor predisposition. Last evaluated: 2025-02-12. Review status: criteria provided, single submitter. Criteria: Invitae Variant Classification Sherloc (09022015). Collection method: clinical testing. Allele origin: germline.
Comment: This sequence change replaces arginine, which is basic and polar, with serine, which is neutral and polar, at codon 800 of the DICER1 protein (p.Arg800Ser). This variant is not present in population databases (gnomAD no frequency). This variant has not been reported in the literature in individuals affected with DICER1-related conditions. Invitae Evidence Modeling of protein sequence and biophysical properties (such as structural, functional, and spatial information, amino acid conservation, physicochemical variation, residue mobility, and thermodynamic stability) indicates that this missense variant is not expected to disrupt DICER1 protein function with a negative predictive value of 95%. In summary, the available evidence is currently insufficient to determine the role of this variant in disease. Therefore, it has been classified as a Variant of Uncertain Significance.